The following is an entry in ClinVar:

NM_201384.3(PLEC):c.9112C>G (p.Leu3038Val)

Gene: PLEC (plectin; minus strand). Cytogenetic location: 8q24.3.
Variant type: single nucleotide variant.
Coding change: c.9112C>G on transcript NM_201384.3 (MANE Select); coding-DNA position 9112, C replaced by G.
Protein change: p.Leu3038Val; replaces leucine 3038 with valine.
Molecular consequence: missense variant.
Genome position (GRCh38, 1-based): chr8:143,920,709, G>C on the plus strand (C>G on the coding strand, the complement: PLEC is on the minus strand). VCF-style: chr8-143920709-G-C. GRCh37 (hg19) VCF-style: chr8-144994877-G-C.
Other names: c.9193C>G, p.Leu3065Val (NM_000445.5); c.9070C>G, p.Leu3024Val (NM_201378.4); c.9046C>G, p.Leu3016Val (NM_201379.3); c.9523C>G, p.Leu3175Val (NM_201380.4); c.9016C>G, p.Leu3006Val (NM_201381.3); c.9112C>G, p.Leu3038Val (NM_201382.4); c.9124C>G, p.Leu3042Val (NM_201383.3); c.9193C>G (NM_000445.3); short protein forms L3006V, L3016V, L3024V, L3038V, L3042V, L3065V, L3175V.
Identifiers: ClinVar variation 500784 (VCV000500784.8), dbSNP rs782531145, ClinGen allele CA4925068.

ClinVar aggregate classification (germline): Uncertain significance. Review status: criteria provided, multiple submitters, no conflicts (2 of 4 stars). 3 submissions from 3 submitters: Uncertain significance (3). Last evaluated 2024-12-30.

Conditions:
Inborn genetic diseases. Identifiers: MedGen C0950123, MeSH D030342.
Epidermolysis bullosa simplex 5B, with muscular dystrophy (EBS5B). Also called: EPIDERMOLYSIS BULLOSA SIMPLEX AND LIMB-GIRDLE MUSCULAR DYSTROPHY; Epidermolysis bullosa simplex with muscular dystrophy. Identifiers: Orphanet 257, MedGen C2931072, MONDO:0009181, OMIM 226670.
Epidermolysis bullosa simplex, Ogna type (EBS5A). Also called: Pidermolysis bullosa simplex 5A, Ogna type; EPIDERMOLYSIS BULLOSA SIMPLEX 5A, OGNA TYPE. Identifiers: Orphanet 79401, MedGen C0432317, MONDO:0007555, OMIM 131950.
Autosomal recessive limb-girdle muscular dystrophy type 2Q (LGMDR17). Also called: MUSCULAR DYSTROPHY, LIMB-GIRDLE, AUTOSOMAL RECESSIVE 17. Identifiers: Orphanet 254361, MedGen C3150989, MONDO:0013390, OMIM 613723.
Epidermolysis bullosa simplex 5C, with pyloric atresia (EBS5C). Also called: Epidermolysis bullosa simplex with pyloric atresia; PLEC1-Related Epidermolysis Bullosa with Pyloric Atresia; PLEC-Related Epidermolysis Bullosa with Pyloric Atresia. Identifiers: Orphanet 158684, MedGen C2677349, MONDO:0012807, OMIM 612138.
Epidermolysis bullosa simplex with nail dystrophy (EBS5D). Identifiers: MedGen C4225309, MONDO:0014661, OMIM 616487.

Allele frequency attached by ClinVar (database versions not stated): gnomAD exomes 0.00004 and 0.00010; ExAC 0.00009.
gnomAD v4.1: 62 of 1,602,810 alleles (0.0039%); highest among the groups gnomAD compares: South Asian, 0.066%; 2 homozygotes.

Submissions (3):

Labcorp Genetics (formerly Invitae), Labcorp
Classification: Uncertain significance for Autosomal recessive limb-girdle muscular dystrophy type 2Q; Epidermolysis bullosa simplex, Ogna type; Epidermolysis bullosa simplex with nail dystrophy; Epidermolysis bullosa simplex 5C, with pyloric atresia; Epidermolysis bullosa simplex 5B, with muscular dystrophy. Last evaluated: 2024-12-30. Review status: criteria provided, single submitter. Criteria: Invitae Variant Classification Sherloc (09022015). Collection method: clinical testing. Allele origin: germline.
Comment: This sequence change replaces leucine, which is neutral and non-polar, with valine, which is neutral and non-polar, at codon 3065 of the PLEC protein (p.Leu3065Val). This variant is present in population databases (rs782531145, gnomAD 0.08%). This variant has not been reported in the literature in individuals affected with PLEC-related conditions. ClinVar contains an entry for this variant (Variation ID: 500784). An algorithm developed to predict the effect of missense changes on protein structure and function outputs the following: PolyPhen-2: "Benign". The valine amino acid residue is found in multiple mammalian species, which suggests that this missense change does not adversely affect protein function. In summary, the available evidence is currently insufficient to determine the role of this variant in disease. Therefore, it has been classified as a Variant of Uncertain Significance.

Ambry Genetics
Classification: Uncertain significance for Inborn genetic diseases. Last evaluated: 2024-07-15. Review status: criteria provided, single submitter. Criteria: Ambry Variant Classification Scheme 2023. Collection method: clinical testing. Allele origin: germline.

Eurofins Ntd Llc (ga)
Classification: Uncertain significance. Last evaluated: 2017-03-08. Review status: criteria provided, single submitter. Criteria: EGL Classification Definitions 2015. Collection method: clinical testing. Allele origin: germline. Observed: 1 variant allele, 1 heterozygote.